The following is an entry in ClinVar:

NM_153252.5(BRWD3):c.3179A>T (p.Asp1060Val)

Gene: BRWD3 (bromodomain and WD repeat domain containing 3; minus strand). Cytogenetic location: Xq21.1.
Variant type: single nucleotide variant.
Coding change: c.3179A>T on transcript NM_153252.5 (MANE Select); coding-DNA position 3179, A replaced by T.
Protein change: p.Asp1060Val; replaces aspartic acid 1060 with valine.
Molecular consequence: missense variant.
Genome position (GRCh38, 1-based): chrX:80,693,024, T>A on the plus strand (A>T on the coding strand, the complement: BRWD3 is on the minus strand). VCF-style: chrX-80693024-T-A. GRCh37 (hg19) VCF-style: chrX-79948523-T-A.
Other names: short protein forms D1060V.
Identifiers: ClinVar variation 3061434 (VCV003061434.3), dbSNP rs2520240778, ClinGen allele CA413618799.

ClinVar aggregate classification (germline): Uncertain significance. Review status: criteria provided, single submitter (1 of 4 stars). 2 submissions from 2 submitters: Uncertain significance (1). 1 of the submissions does not count toward it. Last evaluated 2026-03-17.

Conditions:
BRWD3-related disorder. Also called: BRWD3-related condition.

Submissions (2):

GeneDx
Classification: Uncertain significance. Last evaluated: 2026-03-17. Review status: criteria provided, single submitter. Criteria: GeneDx Variant Classification Process June 2021. Collection method: clinical testing. Allele origin: germline.
Comment: Not observed at significant frequency in large population cohorts (gnomAD); In silico analysis supports that this missense variant has a deleterious effect on protein structure/function; Has not been previously published as pathogenic or benign to our knowledge

PreventionGenetics, part of Exact Sciences
Classification: Uncertain significance for BRWD3-related condition. Last evaluated: 2024-02-02. Review status: no assertion criteria provided. Collection method: clinical testing. Allele origin: germline. Not counted in ClinVar's aggregate classification.
Comment: The BRWD3 c.3179A>T variant is predicted to result in the amino acid substitution p.Asp1060Val. To our knowledge, this variant has not been reported in the literature or in a large population database, indicating this variant is rare. At this time, the clinical significance of this variant is uncertain due to the absence of conclusive functional and genetic evidence.